The following is an entry in ClinVar:

NM_001077525.3(MTMR14):c.1174T>C (p.Phe392Leu)

Gene: MTMR14 (myotubularin related protein 14; plus strand). Cytogenetic location: 3p25.3.
Variant type: single nucleotide variant.
Coding change: c.1174T>C on transcript NM_001077525.3 (MANE Select); coding-DNA position 1174, T replaced by C.
Protein change: p.Phe392Leu; replaces phenylalanine 392 with leucine.
Molecular consequence: missense variant.
Genome position (GRCh38, 1-based): chr3:9,687,830, T>C. VCF-style: chr3-9687830-T-C. GRCh37 (hg19) VCF-style: chr3-9729514-T-C.
Other names: c.1174T>C, p.Phe392Leu (NM_001077526.3, NM_022485.5); short protein forms F392L.
Identifiers: ClinVar variation 930739 (VCV000930739.3), dbSNP rs2076010767, ClinGen allele CA351696528.

ClinVar aggregate classification (germline): Uncertain significance (1 of 4 stars; one submission).

Conditions:
Autosomal dominant centronuclear myopathy. Also called: MYOTUBULAR MYOPATHY, AUTOSOMAL DOMINANT; Myopathy, centronuclear, 3. Identifiers: Orphanet 169189, MedGen C4551952, MeSH D020914, MONDO:0008048, OMIM 160150.

Submission:

Centre for Mendelian Genomics, University Medical Centre Ljubljana
Classification: Uncertain significance for Autosomal dominant centronuclear myopathy. Last evaluated: 2019-08-20. Review status: criteria provided, single submitter. Criteria: ACMG Guidelines, 2015. Collection method: clinical testing. Allele origin: unknown. Affected: yes.
Comment: This variant was classified as: Uncertain significance. The available evidence on this variant's pathogenicity is insufficient or conflicting. The following ACMG criteria were applied in classifying this variant: PM2,PP3.